The following is an entry in ClinVar:

NM_000222.3(KIT):c.2320T>C (p.Tyr774His)

Gene: KIT (KIT proto-oncogene, receptor tyrosine kinase; plus strand). Cytogenetic location: 4q12.
Variant type: single nucleotide variant.
Coding change: c.2320T>C on transcript NM_000222.3 (MANE Select); coding-DNA position 2320, T replaced by C.
Protein change: p.Tyr774His; replaces tyrosine 774 with histidine.
Molecular consequence: missense variant.
Genome position (GRCh38, 1-based): chr4:54,731,957, T>C. VCF-style: chr4-54731957-T-C. GRCh37 (hg19) VCF-style: chr4-55598123-T-C.
Other names: c.2308T>C, p.Tyr770His (NM_001093772.2, NM_001385292.1); c.2323T>C, p.Tyr775His (NM_001385284.1); c.2317T>C, p.Tyr773His (NM_001385285.1); c.2305T>C, p.Tyr769His (NM_001385286.1); c.2311T>C, p.Tyr771His (NM_001385288.1); c.2320T>C, p.Tyr774His (NM_001385290.1); short protein forms Y771H, Y769H, Y773H, Y775H, Y770H, Y774H.
Identifiers: ClinVar variation 1476008 (VCV001476008.6), dbSNP rs2109795750, ClinGen allele CA356911038.

ClinVar aggregate classification (germline): Uncertain significance (1 of 4 stars; one submission).

Conditions:
Gastrointestinal stromal tumor. Also called: Gastrointestinal stroma tumor; Gastrointestinal stromal tumor, somatic. Identifiers: Orphanet 44890, MedGen C0238198, MeSH D046152, MONDO:0011719, OMIM 606764, HP:0100723.

gnomAD v4.1: 1 of 1,613,760 alleles (0.000062%); no homozygotes.

Submission:

Labcorp Genetics (formerly Invitae), Labcorp
Classification: Uncertain significance for Gastrointestinal stromal tumor. Last evaluated: 2021-09-01. Review status: criteria provided, single submitter. Criteria: Invitae Variant Classification Sherloc (09022015). Collection method: clinical testing. Allele origin: germline.
Comment: This variant has not been reported in the literature in individuals affected with KIT-related conditions. This variant is not present in population databases (ExAC no frequency). This sequence change replaces tyrosine with histidine at codon 774 of the KIT protein (p.Tyr774His). The tyrosine residue is highly conserved and there is a moderate physicochemical difference between tyrosine and histidine. Algorithms developed to predict the effect of missense changes on protein structure and function (SIFT, PolyPhen-2, Align-GVGD) all suggest that this variant is likely to be disruptive. In summary, the available evidence is currently insufficient to determine the role of this variant in disease. Therefore, it has been classified as a Variant of Uncertain Significance.